The following is an entry in ClinVar:

NM_004304.5(ALK):c.4566A>G (p.Ile1522Met)

Gene: ALK (ALK receptor tyrosine kinase; minus strand). Cytogenetic location: 2p23.2.
Variant type: single nucleotide variant.
Coding change: c.4566A>G on transcript NM_004304.5 (MANE Select); coding-DNA position 4566, A replaced by G.
Protein change: p.Ile1522Met; replaces isoleucine 1522 with methionine.
Molecular consequence: missense variant.
Genome position (GRCh38, 1-based): chr2:29,193,521, T>C on the plus strand (A>G on the coding strand, the complement: ALK is on the minus strand). VCF-style: chr2-29193521-T-C. GRCh37 (hg19) VCF-style: chr2-29416387-T-C.
Other names: c.4566A>G (NM_004304.4); c.1362A>G, p.Ile454Met (NM_001353765.2); short protein forms I1522M, I454M.
Identifiers: ClinVar variation 1056325 (VCV001056325.10), dbSNP rs902642850, ClinGen allele CA44634837.

ClinVar aggregate classification (germline): Conflicting classifications of pathogenicity. Review status: criteria provided, conflicting classifications (1 of 4 stars). 2 submissions from 2 submitters: Uncertain significance (1); Likely benign (1). Last evaluated 2025-09-04.

Conditions:
Hereditary cancer-predisposing syndrome. Also called: Hereditary Cancer Syndrome; Tumor predisposition; Hereditary neoplastic syndrome; Neoplastic Syndromes, Hereditary. Identifiers: Orphanet 140162, MedGen C0027672, MeSH D009386, MONDO:0015356.
Neuroblastoma, susceptibility to, 3. Also called: ALK-Related Neuroblastic Tumor Susceptibility. Identifiers: Orphanet 635, MedGen C2751681, MONDO:0013083, OMIM 613014.

Allele frequency attached by ClinVar (database versions not stated): gnomAD exomes below 0.00001.
gnomAD v4.1: 2 of 1,614,196 alleles (0.00012%); highest among the groups gnomAD compares: East Asian, 0.0022%; no homozygotes.

Submissions (2):

Ambry Genetics
Classification: Likely benign for Hereditary cancer-predisposing syndrome. Last evaluated: 2025-09-04. Review status: criteria provided, single submitter. Criteria: Ambry Variant Classification Scheme 2023. Collection method: clinical testing. Allele origin: germline.

Labcorp Genetics (formerly Invitae), Labcorp
Classification: Uncertain significance for Neuroblastoma, susceptibility to, 3. Last evaluated: 2025-02-05. Review status: criteria provided, single submitter. Criteria: Invitae Variant Classification Sherloc (09022015). Collection method: clinical testing. Allele origin: germline.
Comment: This sequence change replaces isoleucine, which is neutral and non-polar, with methionine, which is neutral and non-polar, at codon 1522 of the ALK protein (p.Ile1522Met). This variant is not present in population databases (gnomAD no frequency). This variant has not been reported in the literature in individuals affected with ALK-related conditions. ClinVar contains an entry for this variant (Variation ID: 1056325). An algorithm developed to predict the effect of missense changes on protein structure and function (PolyPhen-2) suggests that this variant is likely to be tolerated. In summary, the available evidence is currently insufficient to determine the role of this variant in disease. Therefore, it has been classified as a Variant of Uncertain Significance.